The following is an entry in ClinVar:

ClinVar aggregate classification (germline): Conflicting classifications of pathogenicity. Review status: criteria provided, conflicting classifications (1 of 4 stars). 4 submissions from 4 submitters: Likely pathogenic (2); Uncertain significance (2). Last evaluated 2025-12-15.

Conditions:
Hereditary cancer-predisposing syndrome. Also called: Hereditary neoplastic syndrome; Tumor predisposition; Neoplastic Syndromes, Hereditary; Hereditary Cancer Syndrome. Identifiers: Orphanet 140162, MedGen C0027672, MeSH D009386, MONDO:0015356.
Fumarase deficiency (FMRD). Also called: Fumarate Hydratase Deficiency; Fumaric aciduria. Identifiers: Orphanet 24, MedGen C0342770, MONDO:0011730, OMIM 606812.

Allele frequency attached by ClinVar (database versions not stated): gnomAD exomes 0.00002.

Submissions (4):

Labcorp Genetics (formerly Invitae), Labcorp
Classification: Likely pathogenic. Last evaluated: 2025-12-15. Review status: criteria provided, single submitter. Criteria: Invitae Variant Classification Sherloc (09022015). Collection method: clinical testing. Allele origin: germline.
Comment: This sequence change affects the initiator codon of the FH mRNA. This change may impact translation initiation or efficiency. The next in-frame methionine is located at codon 44. FH has two initiator codons, p.Met1 and p.Met44, which result in two different functional isoforms that localize to the mitochondria and cytosol, respectively (PMID: 21929734, 27037871). Loss-of-function variants in FH are known to be pathogenic (PMID: 11865300, 21398687). Variants affecting the mitochondrial isoform confer risk for fumarate hydratase deficiency, while variants that affect the cytosolic isoform confer risk for FH tumor predisposition syndrome. This variant is present in population databases (no rsID available, gnomAD 0.01%). Disruption of the initiator codon has been observed in individual(s) with uterine leiomyosarcoma (PMID: 39150540). ClinVar contains an entry for this variant (Variation ID: 429172). Studies have shown that disruption of the initiator codon is associated with inconclusive levels of altered splicing (internal data). This variant disrupts the mitochondria-targeting sequence (MTS) of the FH protein, which is important for protein import into the mitochondria (PMID: 27037871). This suggests that disruption of this region is causative of fumarate hydratase deficiency. In summary, the currently available evidence indicates that the variant is pathogenic, but additional data are needed to prove that conclusively. Therefore, this variant has been classified as Likely Pathogenic for autosomal recessive fumarate hydratase deficiency. However, this variant is not likely to confer risk for autosomal dominant FH tumor predisposition syndrome.

Ambry Genetics
Classification: Uncertain significance for Hereditary cancer-predisposing syndrome. Last evaluated: 2025-05-28. Review status: criteria provided, single submitter. Criteria: Ambry Variant Classification Scheme 2023. Collection method: clinical testing. Allele origin: germline.
Comment: The p.M1? variant (also known as c.2T>G), located in coding exon 1 of the FH gene, results from a T to G substitution at nucleotide position 2. This alters the methionine residue at the initiation codon. Variations that modify the initiation codon (ATG) are expected to result in either loss of translation initiation, N-terminal truncation, or cause a shift in the mRNA reading frame; however there is an alternate in-frame methionine 44 amino acids from the initiation site. Proteins initiated from the first methionine are targeted to the mitochondrion while proteins initiated from the second methionine are targeted to the cytoplasm due to the lack of the mitochondrial targeting sequence encoded between them (Dik E et al. Traffic, 2016 Jul;17:720-32, Magrane M et al., Database (Oxford) 2011; bar009). Data suggest that it is the cytoplasmic protein that conveys the tumor suppressor function of FH (Yogev O et al. PLoS Biol., 2010 Mar;8:e1000328). This alteration and others that are expected to adversely affect the protein before the second methionine, have been observed in numerous individuals who do not have a personal or family history that is consistent with or suggestive of HLRCC (Ambry internal data). The clinical impact of this variant in terms of the fumarase deficiency is also unclear due to the lack of this variant being associated with this autosomal recessive disease in the literature and internally. Since supporting evidence is limited at this time, the clinical significance of this alteration remains unclear.

Natera, Inc.
Classification: Likely pathogenic for Fumarase Deficiency. Last evaluated: 2024-06-29. Review status: criteria provided, single submitter. Criteria: Natera Variant Classification Schema (03/2026). Collection method: clinical testing. Allele origin: germline.
Comment: The c.2T>G variant in FH is predicted to result in start loss due to disruption of the initiator methionine. This variant is expected to result in nonsense mediated decay, truncation, or a dysfunctional protein product. This variant is rare in the general population with a frequency below the threshold expected for the associated phenotype(s). Given the available evidence, this variant is classified as Likely Pathogenic.

GeneDx
Classification: Uncertain significance. Last evaluated: 2023-04-20. Review status: criteria provided, single submitter. Criteria: GeneDx Variant Classification Process June 2021. Collection method: clinical testing. Allele origin: germline. Affected: yes.
Comment: Initiation codon variant in a gene for which loss of function is a known mechanism of disease but an alternate initiation codon at Met44 could serve as an in-frame site (Dik et al., 2016); Published functional studies of other variants affecting Met1 have demonstrated that when this alternate start codon is used, fumarase enzyme activity is comparable to wild-type; however, there is aberrant localization of the FH protein exclusively to the cytosol, without any mitochondrial targeting (Stein et al., 1994; Sass et al., 2001; Dik et al., 2016); Not observed at significant frequency in large population cohorts (gnomAD); This variant is associated with the following publications: (PMID: 21447597, 27037871, 8007976, 11585823, 21398687, 20231875, 11865300)

Literature cited by the submitters: PubMed 21929734 (cited by Labcorp Genetics (formerly Invitae), Labcorp and Ambry Genetics); PubMed 27037871 (cited by Labcorp Genetics (formerly Invitae), Labcorp and Ambry Genetics); PubMed 11865300 (cited by Labcorp Genetics (formerly Invitae), Labcorp); PubMed 21398687 (cited by Labcorp Genetics (formerly Invitae), Labcorp); PubMed 39150540 (cited by Labcorp Genetics (formerly Invitae), Labcorp); PubMed 20231875 (cited by Ambry Genetics); PubMed 21447597 (cited by Ambry Genetics).

NM_000143.4(FH):c.2T>G (p.Met1Arg)

Gene: FH (fumarate hydratase; minus strand). Cytogenetic location: 1q43.
Variant type: single nucleotide variant.
Coding change: c.2T>G on transcript NM_000143.4 (MANE Select); coding-DNA position 2, T replaced by G.
Protein change: p.Met1Arg; changes the start codon (methionine 1).
Molecular consequence: missense variant, initiator codon variant.
Genome position (GRCh38, 1-based): chr1:241,519,721, A>C on the plus strand (T>G on the coding strand, the complement: FH is on the minus strand). VCF-style: chr1-241519721-A-C. GRCh37 (hg19) VCF-style: chr1-241683021-A-C.
Other names: short protein forms M1R.
Identifiers: ClinVar variation 429172 (VCV000429172.17), dbSNP rs201261794, ClinGen allele CA345443122.
Genomic context (GRCh38, chr1:241,519,721, plus strand): 5'-GCTGCGGCTGGAGCCCGCACGAGGGGACGCGAGCGCGCGAGGAGCCGAAGTGCTCGGTAC[A>C]TGGTGCTGAGGGAGCTTGGGTAGAATTTCTGGGCGGCTGTGGCCACGCCTCCACGCCGGT-3'
Protein context (NP_000134.2, residues 1-11): [Met1Arg]YRALRLLARS